The following is an entry in ClinVar:

NM_001851.6(COL9A1):c.1232G>A (p.Cys411Tyr)

Gene: COL9A1 (collagen type IX alpha 1 chain; minus strand). Cytogenetic location: 6q13.
Variant type: single nucleotide variant.
Coding change: c.1232G>A on transcript NM_001851.6 (MANE Select); coding-DNA position 1232, G replaced by A.
Protein change: p.Cys411Tyr; replaces cysteine 411 with tyrosine.
Molecular consequence: missense variant. On other transcripts: non-coding transcript variant (1).
Genome position (GRCh38, 1-based): chr6:70,268,859, C>T on the plus strand (G>A on the coding strand, the complement: COL9A1 is on the minus strand). VCF-style: chr6-70268859-C-T. GRCh37 (hg19) VCF-style: chr6-70978562-C-T.
Other names: c.503G>A, p.Cys168Tyr (NM_001377289.1, NM_001377290.1, NM_078485.4); short protein forms C168Y, C411Y.
Identifiers: ClinVar variation 2072107 (VCV002072107.1), dbSNP rs1458579339, ClinGen allele CA364680916.

ClinVar aggregate classification (germline): Uncertain significance (1 of 4 stars; one submission).

Allele frequency attached by ClinVar (database versions not stated): gnomAD exomes below 0.00001; gnomAD 0.00001; TOPMed 0.00001.
gnomAD v4.1: 3 of 1,613,710 alleles (0.00019%); highest among the groups gnomAD compares: Admixed American, 0.0017%; no homozygotes.

Submission:

Labcorp Genetics (formerly Invitae), Labcorp
Classification: Uncertain significance. Last evaluated: 2022-01-03. Review status: criteria provided, single submitter. Criteria: Invitae Variant Classification Sherloc (09022015). Collection method: clinical testing. Allele origin: germline.
Comment: This sequence change replaces cysteine, which is neutral and slightly polar, with tyrosine, which is neutral and polar, at codon 411 of the COL9A1 protein (p.Cys411Tyr). This variant is not present in population databases (gnomAD no frequency). This variant has not been reported in the literature in individuals affected with COL9A1-related conditions. Algorithms developed to predict the effect of missense changes on protein structure and function (SIFT, PolyPhen-2, Align-GVGD) all suggest that this variant is likely to be disruptive. In summary, the available evidence is currently insufficient to determine the role of this variant in disease. Therefore, it has been classified as a Variant of Uncertain Significance.